The following is an entry in ClinVar:

NM_014806.5(RUSC2):c.2689C>T (p.Arg897Trp)

Gene: RUSC2 (RUN and SH3 domain containing 2; plus strand). Cytogenetic location: 9p13.3.
Variant type: single nucleotide variant.
Coding change: c.2689C>T on transcript NM_014806.5 (MANE Select); coding-DNA position 2689, C replaced by T.
Protein change: p.Arg897Trp; replaces arginine 897 with tryptophan.
Molecular consequence: missense variant. On other transcripts: non-coding transcript variant (1).
Genome position (GRCh38, 1-based): chr9:35,555,984, C>T. VCF-style: chr9-35555984-C-T. GRCh37 (hg19) VCF-style: chr9-35555981-C-T.
Other names: c.2689C>T, p.Arg897Trp (NM_001135999.2); c.55C>T, p.Arg19Trp (NM_001330740.2); short protein forms R19W, R897W.
Identifiers: ClinVar variation 1431640 (VCV001431640.8), dbSNP rs750266020, ClinGen allele CA192754953.

ClinVar aggregate classification (germline): Uncertain significance (1 of 4 stars; one submission).

Allele frequency attached by ClinVar (database versions not stated): TOPMed below 0.00001.
gnomAD v4.1: 9 of 1,614,172 alleles (0.00056%); highest among the groups gnomAD compares: Non-Finnish European, 0.00068%; no homozygotes.

Submission:

Labcorp Genetics (formerly Invitae), Labcorp
Classification: Uncertain significance. Last evaluated: 2025-06-02. Review status: criteria provided, single submitter. Criteria: Invitae Variant Classification Sherloc (09022015). Collection method: clinical testing. Allele origin: germline.
Comment: This sequence change replaces arginine, which is basic and polar, with tryptophan, which is neutral and slightly polar, at codon 897 of the RUSC2 protein (p.Arg897Trp). This variant is not present in population databases (gnomAD no frequency). This variant has not been reported in the literature in individuals affected with RUSC2-related conditions. ClinVar contains an entry for this variant (Variation ID: 1431640). An algorithm developed to predict the effect of missense changes on protein structure and function (PolyPhen-2) suggests that this variant is likely to be disruptive. Algorithms developed to predict the effect of sequence changes on RNA splicing suggest that this variant may disrupt the consensus splice site. In summary, the available evidence is currently insufficient to determine the role of this variant in disease. Therefore, it has been classified as a Variant of Uncertain Significance.